The following is an entry in ClinVar:

ClinVar aggregate classification (germline): Uncertain significance. Review status: criteria provided, multiple submitters, no conflicts (2 of 4 stars). 7 submissions from 7 submitters: Uncertain significance (6). 1 of the submissions does not count toward it. Last evaluated 2025-08-19.

Conditions:
Agenesis of the corpus callosum with peripheral neuropathy (ACCPN). Also called: CHARLEVOIX DISEASE; POLYNEUROPATHY, SENSORIMOTOR, WITH OR WITHOUT AGENESIS OF THE CORPUS CALLOSUM; Hereditary Motor and Sensory Neuropathy with Agenesis of the Corpus Callosum; HMSN/ACC. Identifiers: Orphanet 1496, MedGen C0795950, MONDO:0000902, OMIM 218000. Disease mechanism: loss of function.
Charcot-Marie-Tooth disease, axonal, IIa 2II. Also called: CHARCOT-MARIE-TOOTH NEUROPATHY, TYPE 2II; Charcot-Marie-Tooth disease, axonal, type 2II; Charcot-marie-tooth disease, axonal,IIa 2II. Identifiers: MedGen C5774227, MONDO:0031068, OMIM 620068.

Allele frequency attached by ClinVar (database versions not stated): TOPMed 0.00009; gnomAD 0.00010; ESP Exome Variant Server 0.00016.
gnomAD v4.1: 110 of 1,613,730 alleles (0.0068%); highest among the groups gnomAD compares: Admixed American, 0.018%; no homozygotes.

Submissions (7):

GeneDx
Classification: Uncertain significance. Last evaluated: 2025-08-19. Review status: criteria provided, single submitter. Criteria: GeneDx Variant Classification Process June 2021. Collection method: clinical testing. Allele origin: germline. Affected: yes.
Comment: In silico analysis supports that this missense variant has a deleterious effect on protein structure/function; Has not been previously published as pathogenic or benign to our knowledge

Labcorp Genetics (formerly Invitae), Labcorp
Classification: Uncertain significance. Last evaluated: 2024-11-21. Review status: criteria provided, single submitter. Criteria: Invitae Variant Classification Sherloc (09022015). Collection method: clinical testing. Allele origin: germline.
Comment: This sequence change replaces alanine, which is neutral and non-polar, with glutamic acid, which is acidic and polar, at codon 74 of the SLC12A6 protein (p.Ala74Glu). This variant is present in population databases (rs373526599, gnomAD 0.03%). This variant has not been reported in the literature in individuals affected with SLC12A6-related conditions. ClinVar contains an entry for this variant (Variation ID: 440271). Invitae Evidence Modeling of protein sequence and biophysical properties (such as structural, functional, and spatial information, amino acid conservation, physicochemical variation, residue mobility, and thermodynamic stability) indicates that this missense variant is not expected to disrupt SLC12A6 protein function with a negative predictive value of 95%. In summary, the available evidence is currently insufficient to determine the role of this variant in disease. Therefore, it has been classified as a Variant of Uncertain Significance.

Blueprint Genetics
Classification: Uncertain significance. Last evaluated: 2024-11-11. Review status: criteria provided, single submitter. Criteria: ACMG Guidelines, 2015. Collection method: clinical testing. Allele origin: germline.

Department of Pathology and Laboratory Medicine, Sinai Health System
Classification: Uncertain significance for Agenesis of the corpus callosum with peripheral neuropathy; Charcot-Marie-Tooth disease, axonal, IIa 2II. Last evaluated: 2021-10-27. Review status: criteria provided, single submitter. Criteria: ACMG Guidelines, 2015. Collection method: research. Allele origin: germline.

Genome-Nilou Lab
Classification: Uncertain significance for Agenesis of the corpus callosum with peripheral neuropathy. Last evaluated: 2021-07-15. Review status: criteria provided, single submitter. Criteria: ACMG Guidelines, 2015. Collection method: clinical testing. Allele origin: germline. Affected: no.

ARUP Laboratories, Molecular Genetics and Genomics, ARUP Laboratories
Classification: Uncertain significance. Last evaluated: 2017-04-10. Review status: criteria provided, single submitter. Criteria: ARUP Molecular Germline Variant Investigation Process. Collection method: clinical testing. Allele origin: germline.

Natera, Inc.
Classification: Uncertain significance for Andermann syndrome. Last evaluated: 2020-01-24. Review status: no assertion criteria provided. Collection method: clinical testing. Allele origin: germline. Not counted in ClinVar's aggregate classification.

NM_001365088.1(SLC12A6):c.221C>A (p.Ala74Glu)

Gene: SLC12A6 (solute carrier family 12 member 6; minus strand). Cytogenetic location: 15q14.
Variant type: single nucleotide variant.
Coding change: c.221C>A on transcript NM_001365088.1 (MANE Select); coding-DNA position 221, C replaced by A.
Protein change: p.Ala74Glu; replaces alanine 74 with glutamic acid.
Molecular consequence: missense variant.
Genome position (GRCh38, 1-based): chr15:34,336,460, G>T on the plus strand (C>A on the coding strand, the complement: SLC12A6 is on the minus strand). VCF-style: chr15-34336460-G-T. GRCh37 (hg19) VCF-style: chr15-34628661-G-T.
Other names: c.44C>A, p.Ala15Glu (NM_001042494.2, NM_001042495.2); c.194C>A, p.Ala65Glu (NM_001042496.2); c.221C>A, p.Ala74Glu (NM_001042497.2, NM_133647.2); short protein forms A74E, A65E, A15E.
Identifiers: ClinVar variation 440271 (VCV000440271.20), dbSNP rs373526599, ClinGen allele CA7464696.